The following is an entry in ClinVar:

NM_001271938.2(MEGF8):c.6641+14C>T

Gene: MEGF8 (multiple EGF like domains 8; plus strand). Cytogenetic location: 19q13.2.
Variant type: single nucleotide variant.
Coding change: c.6641+14C>T on transcript NM_001271938.2 (MANE Select); 14 bases into the intron after coding-DNA position 6641, C replaced by T.
Molecular consequence: intron variant.
Genome position (GRCh38, 1-based): chr19:42,369,016, C>T. VCF-style: chr19-42369016-C-T. GRCh37 (hg19) VCF-style: chr19-42873168-C-T.
Other names: c.6440+14C>T (NM_001410.3).
Identifiers: ClinVar variation 2732379 (VCV002732379.3), dbSNP rs572807624, ClinGen allele CA9475923.

ClinVar aggregate classification (germline): Uncertain significance (1 of 4 stars; one submission).

Conditions:
MEGF8-related Carpenter syndrome. Also called: Carpenter syndrome 2. Identifiers: Orphanet 65759, MedGen C3554247, MONDO:0013998, OMIM 614976.

Allele frequency attached by ClinVar (database versions not stated): gnomAD exomes 0.00001; ExAC 0.00002; TOPMed 0.00004; gnomAD 0.00005; 1000 Genomes Project 30x 0.00016; 1000 Genomes Project 0.00020.
gnomAD v4.1: 26 of 1,611,880 alleles (0.0016%); highest among the groups gnomAD compares: African/African-American, 0.013%; no homozygotes.

Submission:

Labcorp Genetics (formerly Invitae), Labcorp
Classification: Uncertain significance for MEGF8-related Carpenter syndrome. Last evaluated: 2023-12-09. Review status: criteria provided, single submitter. Criteria: Invitae Variant Classification Sherloc (09022015). Collection method: clinical testing. Allele origin: germline.
Comment: This sequence change falls in intron 36 of the MEGF8 gene. It does not directly change the encoded amino acid sequence of the MEGF8 protein. This variant is present in population databases (rs572807624, gnomAD 0.02%). This variant has not been reported in the literature in individuals affected with MEGF8-related conditions. Algorithms developed to predict the effect of sequence changes on RNA splicing suggest that this variant may create or strengthen a splice site. In summary, the available evidence is currently insufficient to determine the role of this variant in disease. Therefore, it has been classified as a Variant of Uncertain Significance.